The following is an entry in ClinVar:

ClinVar aggregate classification (germline): Likely benign (1 of 4 stars; one submission).

Submission:

CeGaT Center for Human Genetics Tuebingen
Classification: Likely benign. Last evaluated: 2026-08-01. Review status: criteria provided, single submitter. Criteria: CeGaT Center For Human Genetics Tuebingen Variant Classification Criteria Version 2. Collection method: clinical testing. Allele origin: germline. Affected: yes. Observed: 1 variant allele.
Comment: SMARCC2: PM4:Supporting, BS1

NM_001330288.2(SMARCC2):c.2398AAG[1] (p.Lys801del)

Gene: SMARCC2 (SWI/SNF related BAF chromatin remodeling complex subunit C2; minus strand). Cytogenetic location: 12q13.2.
Variant type: Microsatellite.
Coding change: c.2398AAG[1] on transcript NM_001330288.2 (MANE Select); one copy of the 3-base unit AAG starting at c.2398; the reference has two copies in a row; one copy, 3 bases deleted.
Protein change: p.Lys801del; deletes lysine 801.
Genome position (GRCh38, 1-based): chr12:56,170,153-56,170,155, CTT deleted on the plus strand (AAG on the coding strand, the reverse complement: SMARCC2 is on the minus strand); deleting any 3 consecutive bases within chr12:56,170,153-56,170,160 gives the same sequence; the position shown is the placement nearest the transcript's 3' end. VCF-style (leftmost placement, unchanged base first): chr12-56170152-CCTT-C. GRCh37 (hg19) VCF-style: chr12-56563936-CCTT-C.
Other names: c.2398AAG[1], p.Lys801del (NM_001130420.3, NM_139067.4); c.2305AAG[1], p.Lys770del (NM_003075.5); short protein forms K770del, K801del.
Identifiers: ClinVar variation 5039346 (VCV005039346.1).